The following is an entry in ClinVar:

NM_000312.4(PROC):c.631C>T (p.Arg211Trp)

Gene: PROC (protein C, inactivator of coagulation factors Va and VIIIa; plus strand). Cytogenetic location: 2q14.3.
Variant type: single nucleotide variant.
Coding change: c.631C>T on transcript NM_000312.4 (MANE Select); coding-DNA position 631, C replaced by T.
Protein change: p.Arg211Trp; replaces arginine 211 with tryptophan.
Molecular consequence: missense variant.
Genome position (GRCh38, 1-based): chr2:127,426,180, C>T. VCF-style: chr2-127426180-C-T. GRCh37 (hg19) VCF-style: chr2-128183756-C-T.
Other names: R169W; c.814C>T, p.Arg272Trp (NM_001375602.1); c.796C>T, p.Arg266Trp (NM_001375603.1); c.694C>T, p.Arg232Trp (NM_001375604.1); c.733C>T, p.Arg245Trp (NM_001375605.1); c.799C>T, p.Arg267Trp (NM_001375606.1); c.817C>T, p.Arg273Trp (NM_001375607.1); c.574C>T, p.Arg192Trp (NM_001375608.1); and 3 more; short protein forms R211W, R192W, R203W, R209W, R232W, R245W, R266W, R267W.
Identifiers: ClinVar variation 659 (VCV000000659.14), dbSNP rs121918143, ClinGen allele CA114389.

ClinVar aggregate classification (germline): Pathogenic/Likely pathogenic. Review status: criteria provided, multiple submitters, no conflicts (2 of 4 stars). 9 submissions from 8 submitters: Pathogenic (3); Likely pathogenic (4). 2 of the submissions do not count toward it. Last evaluated 2024-10-08.

Conditions:
Thrombophilia due to protein C deficiency, autosomal recessive. Also called: PROC DEFICIENCY, AUTOSOMAL RECESSIVE; PROTEIN C DEFICIENCY, AUTOSOMAL RECESSIVE. Identifiers: Orphanet 745, MedGen C2676759, MONDO:0012860, OMIM 612304.
Reduced protein C activity. Identifiers: MedGen C0398625, MeSH D020151, HP:0005543.
Thrombophilia due to protein C deficiency, autosomal dominant. Also called: PROC DEFICIENCY, AUTOSOMAL DOMINANT; PROTEIN C DEFICIENCY, AUTOSOMAL DOMINANT. Identifiers: Orphanet 745, MedGen C2674321, MONDO:0008316, OMIM 176860. Disease mechanism: loss of function.

Allele frequency attached by ClinVar (database versions not stated): gnomAD 0.00001; TOPMed 0.00001; ESP Exome Variant Server 0.00008.

Submissions (9):

Victorian Clinical Genetics Services, Murdoch Childrens Research Institute
Classification: Pathogenic for Thrombophilia due to protein C deficiency, autosomal dominant. Last evaluated: 2024-10-08. Review status: criteria provided, single submitter. Criteria: ACMG Guidelines, 2015. Collection method: clinical testing. Allele origin: germline. Inheritance: Autosomal dominant inheritance.
Comment: Based on the classification scheme VCGS_Germline_v1.3.4, this variant is classified as Pathogenic. Following criteria are met: 0102 - Loss of function is a known mechanism of disease in this gene and is associated with thrombophilia due to protein C deficiency, autosomal dominant (MIM#176860) and autosomal recessive (MIM#612304). (I) 0108 - This gene is associated with both recessive and dominant diseases (MIM#176860, MIM#612304). (I) 0200 - Variant is predicted to result in a missense amino acid change from arginine to tryptophan. (I) 0251 - This variant is heterozygous. (I) 0302 - Variant is present in gnomAD (v2) <0.001 for a dominant condition (7 heterozygotes, 0 homozygotes). (SP) 0501 - Missense variant consistently predicted to be damaging by multiple in silico tools or highly conserved with a major amino acid change. (SP) 0604 - Variant is not located in an established domain, motif, hotspot or informative constraint region. (I) 0704 - Other missense variant comparable to the one identified in this case have limited previous evidence for pathogenicity. Changes to leucine and glutamine have been reported as VUS and likely pathogenic, respectively (ClinVar). (SP) 0801 - This variant has strong previous evidence of pathogenicity in unrelated individuals (ClinVar). It was reported as homozygous or compound heterozygous with other variants in individuals with purpura fulminans and intracranial hemorrhage (PMID:34654403,28111891,19373522 ) and heterozygous in individuals with deep venous thrombosis (PMID: 19373522 ,18954896). (SP) 1208 - Inheritance information for this variant is not currently available in this individual. (I) Legend: (SP) - Supporting pathogenic, (I) - Information, (SB) - Supporting benign

Labcorp Genetics (formerly Invitae), Labcorp
Classification: Pathogenic for Thrombophilia due to protein C deficiency, autosomal dominant. Last evaluated: 2024-05-15. Review status: criteria provided, single submitter. Criteria: Invitae Variant Classification Sherloc (09022015). Collection method: clinical testing. Allele origin: germline.
Comment: This sequence change replaces arginine, which is basic and polar, with tryptophan, which is neutral and slightly polar, at codon 211 of the PROC protein (p.Arg211Trp). This variant is present in population databases (rs121918143, gnomAD 0.02%). This missense change has been observed in individuals with purpura fulminans and severe protein C deficiency and venous thromboembolism and partial protein C deficiency (PMID: 3185623, 8165644, 10805275, 10942114, 18573519, 18954896, 24162787, 28111891). It has also been observed to segregate with disease in related individuals. This variant is also known as Arg157Trp or Arg169Trp. ClinVar contains an entry for this variant (Variation ID: 659). Advanced modeling of protein sequence and biophysical properties (such as structural, functional, and spatial information, amino acid conservation, physicochemical variation, residue mobility, and thermodynamic stability) has been performed at Invitae for this missense variant, however the output from this modeling did not meet the statistical confidence thresholds required to predict the impact of this variant on PROC protein function. For these reasons, this variant has been classified as Pathogenic.

Mayo Clinic Laboratories, Mayo Clinic
Classification: Pathogenic. Last evaluated: 2024-04-25. Review status: criteria provided, single submitter. Criteria: ACMG Guidelines, 2015. Collection method: clinical testing. Allele origin: germline. Observed: 1 variant allele.
Comment: PP1_strong, PM1, PM2_moderate, PM3, PM5, PS4_moderate

Genomic Medicine Center of Excellence, King Faisal Specialist Hospital and Research Centre
Classification: Likely pathogenic for Thrombophilia due to protein C deficiency, autosomal recessive. Last evaluated: 2024-04-04. Review status: criteria provided, single submitter. Criteria: ACMG Guidelines, 2015. Collection method: clinical testing. Allele origin: germline.

3billion
Classification: Likely pathogenic for Thrombophilia due to protein C deficiency, autosomal recessive. Last evaluated: 2023-12-10. Review status: criteria provided, single submitter. Criteria: ACMG Guidelines, 2015. Collection method: clinical testing. Allele origin: germline. Affected: yes.
Comment: The variant is observed at an extremely low frequency in the gnomAD v2.1.1 dataset (total allele frequency: 0.003%). Predicted Consequence/Location: Missense variant In silico tool predictions suggest damaging effect of the variant on gene or gene product [REVEL: 0.58 (>=0.6, sensitivity 0.68 and specificity 0.92); 3Cnet: 0.95 (>=0.6, sensitivity 0.72 and precision 0.9)]. Same nucleotide change resulting in same amino acid change has been previously reported as pathogenic/likely pathogenic with strong evidence (ClinVar ID: VCV000000659 /PMID: 3185623). A different missense change at the same codon (p.Arg211Gln) has been reported to be associated with PROC related disorder (ClinVar ID: VCV001048661 /PMID: 8499565). Therefore, this variant is classified as Likely pathogenic according to the recommendation of ACMG/AMP guideline.

NIHR Bioresource Rare Diseases, University of Cambridge
Classification: Likely pathogenic for Reduced protein C activity. Last evaluated: 2019-02-01. Review status: criteria provided, single submitter. Criteria: ACMG Guidelines, 2015. Collection method: research. Allele origin: unknown. Affected: yes. Observed: 1 heterozygote. Study: ThromboGenomics.

CSER _CC_NCGL, University of Washington
Classification: Likely pathogenic for Protein C deficiency. Last evaluated: 2014-06-01. Review status: criteria provided, single submitter. Criteria: Amendola et al. (Genome Res. 2015). Collection method: research. Allele origin: germline. Inheritance: Autosomal dominant inheritance. Study: ESP 6500 variant annotation.
Comment: Low GERP score may suggest that this variant may belong in a lower pathogenicity class

Variants classified for the Actionable exomic incidental findings in 6503 participants: challenges of variant classification manuscript

OMIM
Classification: Pathogenic for THROMBOPHILIA DUE TO PROTEIN C DEFICIENCY, AUTOSOMAL DOMINANT. Last evaluated: 2000-06-01. Review status: no assertion criteria provided. Collection method: literature only. Allele origin: germline. Not counted in ClinVar's aggregate classification.

OMIM
Classification: Pathogenic for THROMBOPHILIA DUE TO PROTEIN C DEFICIENCY, AUTOSOMAL RECESSIVE. Last evaluated: 2000-06-01. Review status: no assertion criteria provided. Collection method: literature only. Allele origin: germline. Not counted in ClinVar's aggregate classification.

Literature cited by the submitters: PubMed 18954896 (cited by 3 submitters); PubMed 19373522 (cited by Victorian Clinical Genetics Services, Murdoch Childrens Research Institute); PubMed 28111891 (cited by 3 submitters); PubMed 34654403 (cited by Victorian Clinical Genetics Services, Murdoch Childrens Research Institute and Mayo Clinic Laboratories, Mayo Clinic); PubMed 3185623 (cited by 4 submitters); PubMed 8165644 (cited by Labcorp Genetics (formerly Invitae), Labcorp); PubMed 10805275 (cited by Labcorp Genetics (formerly Invitae), Labcorp); PubMed 10942114 (cited by Labcorp Genetics (formerly Invitae), Labcorp and OMIM); PubMed 18573519 (cited by Labcorp Genetics (formerly Invitae), Labcorp and Mayo Clinic Laboratories, Mayo Clinic); PubMed 24162787 (cited by Labcorp Genetics (formerly Invitae), Labcorp and Mayo Clinic Laboratories, Mayo Clinic); PubMed 1596024 (cited by Mayo Clinic Laboratories, Mayo Clinic); PubMed 32132969 (cited by Mayo Clinic Laboratories, Mayo Clinic); PubMed 8829639 (cited by Mayo Clinic Laboratories, Mayo Clinic); PubMed 8499565 (cited by 3billion); PubMed 31064749 (cited by NIHR Bioresource Rare Diseases, University of Cambridge); PubMed 1511988 (cited by OMIM).